The following is an entry in ClinVar:

ClinVar aggregate classification (germline): Uncertain significance (1 of 4 stars; one submission).

gnomAD v4.1: 5 of 1,613,324 alleles (0.00031%); highest among the groups gnomAD compares: Non-Finnish European, 0.00042%; no homozygotes.

Submission:

Labcorp Genetics (formerly Invitae), Labcorp
Classification: Uncertain significance. Last evaluated: 2025-01-15. Review status: criteria provided, single submitter. Criteria: Invitae Variant Classification Sherloc (09022015). Collection method: clinical testing. Allele origin: germline.
Comment: This sequence change falls in intron 10 of the COL4A3 gene. It does not directly change the encoded amino acid sequence of the COL4A3 protein. It affects a nucleotide within the consensus splice site. This variant is present in population databases (rs183314976, gnomAD 0.002%). This variant has not been reported in the literature in individuals affected with COL4A3-related conditions. Variants that disrupt the consensus splice site are a relatively common cause of aberrant splicing (PMID: 17576681, 9536098). Algorithms developed to predict the effect of sequence changes on RNA splicing suggest that this variant is not likely to affect RNA splicing. In summary, the available evidence is currently insufficient to determine the role of this variant in disease. Therefore, it has been classified as a Variant of Uncertain Significance.

Literature cited by the submitters: PubMed 17576681; PubMed 9536098.

NM_000091.5(COL4A3):c.610-3T>C

Genes: COL4A3 (collagen type IV alpha 3 chain; plus strand), MFF-DT (MFF divergent transcript; minus strand). Cytogenetic location: 2q36.3.
Variant type: single nucleotide variant.
Coding change: c.610-3T>C on transcript NM_000091.5 (MANE Select); 3 bases into the intron before coding-DNA position 610, T replaced by C.
Molecular consequence: intron variant.
Genome position (GRCh38, 1-based): chr2:227,251,333, T>C. VCF-style: chr2-227251333-T-C. GRCh37 (hg19) VCF-style: chr2-228116049-T-C.
Identifiers: ClinVar variation 3727682 (VCV003727682.2).